The following is an entry in ClinVar:

ClinVar aggregate classification (germline): Uncertain significance. Review status: criteria provided, multiple submitters, no conflicts (2 of 4 stars). 2 submissions from 2 submitters: Uncertain significance (2). Last evaluated 2025-11-09.

Conditions:
GRIN2D-related disorder. Also called: GRIN2D-related condition.

Submissions (2):

PreventionGenetics, part of Exact Sciences
Classification: Uncertain significance for GRIN2D-related condition. Last evaluated: 2025-11-09. Review status: criteria provided, single submitter. Criteria: ACMG Guidelines, 2015. Collection method: clinical testing. Allele origin: germline.
Comment: The GRIN2D c.3673_3714del42 variant is predicted to result in an in-frame deletion (p.Arg1225_Ala1238del). To our knowledge, this variant has not been reported in the literature or in a large population database (gnomAD), indicating this variant is rare. At this time, the clinical significance of this variant is uncertain due to the absence of conclusive functional and genetic evidence.

Labcorp Genetics (formerly Invitae), Labcorp
Classification: Uncertain significance. Last evaluated: 2024-08-05. Review status: criteria provided, single submitter. Criteria: Invitae Variant Classification Sherloc (09022015). Collection method: clinical testing. Allele origin: germline.
Comment: This variant, c.3673_3714del, results in the deletion of 14 amino acid(s) of the GRIN2D protein (p.Arg1225_Ala1238del), but otherwise preserves the integrity of the reading frame. The frequency data for this variant in the population databases is considered unreliable, as metrics indicate insufficient coverage at this position in the gnomAD database. This variant has not been reported in the literature in individuals affected with GRIN2D-related conditions. Experimental studies and prediction algorithms are not available or were not evaluated, and the functional significance of this variant is currently unknown. In summary, the available evidence is currently insufficient to determine the role of this variant in disease. Therefore, it has been classified as a Variant of Uncertain Significance.

NM_000836.4(GRIN2D):c.3673_3714del (p.Arg1225_Ala1238del)

Gene: GRIN2D (glutamate ionotropic receptor NMDA type subunit 2D; plus strand). Cytogenetic location: 19q13.33.
Variant type: Deletion.
Coding change: c.3673_3714del on transcript NM_000836.4 (MANE Select); coding-DNA positions 3673 to 3714, 42 bases deleted.
Protein change: p.Arg1225_Ala1238del.
Molecular consequence: inframe deletion.
Genome position (GRCh38, 1-based): chr19:48,443,599-48,443,640, 42 bases deleted; deleting any 42 consecutive bases within chr19:48,443,593-48,443,640 gives the same sequence; the c. name uses the placement nearest the transcript's 3' end. GRCh37 (hg19): chr19:48,946,856-48,946,897.
Other names: c.3673_3714del42 (NM_000836.2).
Identifiers: ClinVar variation 3608065 (VCV003608065.3).
Genomic context (GRCh38, chr19:48,443,592, plus strand): 5'-GGACGGCGGCTGGTGGGCGCCACCGCCTCCACCCTGGGCCGCCGGGCCCCTGCCCCGACG[CCGGGCCCGCTGCGGGTGCCCGCGGTCGCACCCGCACCGCCCG>C]CGGGCCTCGCACCGCACGCCCGCCGCCGCCGCGCCCCACCACCACAGGCACCGGCGCGCC-3'